The following is an entry in ClinVar:

NM_000268.4(NF2):c.100G>C (p.Glu34Gln)

Gene: NF2 (NF2, moesin-ezrin-radixin like (MERLIN) tumor suppressor; plus strand). Cytogenetic location: 22q12.2.
Variant type: single nucleotide variant.
Coding change: c.100G>C on transcript NM_000268.4 (MANE Select); coding-DNA position 100, G replaced by C.
Protein change: p.Glu34Gln; replaces glutamic acid 34 with glutamine.
Molecular consequence: missense variant. On other transcripts: non-coding transcript variant (1).
Genome position (GRCh38, 1-based): chr22:29,604,098, G>C. VCF-style: chr22-29604098-G-C. GRCh37 (hg19) VCF-style: chr22-30000087-G-C.
Other names: c.100G>C, p.Glu34Gln (NM_016418.5, NM_181825.3, NM_181828.3 and 5 more transcripts); short protein forms E34Q.
Identifiers: ClinVar variation 1056223 (VCV001056223.13), dbSNP rs753425376, ClinGen allele CA029336.

ClinVar aggregate classification (germline): Conflicting classifications of pathogenicity. Review status: criteria provided, conflicting classifications (1 of 4 stars). 3 submissions from 3 submitters: Uncertain significance (1); Benign (1); Likely benign (1). Last evaluated 2025-12-15.

Conditions:
Neurofibromatosis, type 2 (SWNV). Also called: BILATERAL ACOUSTIC NEUROFIBROMATOSIS; NF2-Related Schwannomatosis; SCHWANNOMATOSIS, VESTIBULAR. Identifiers: Orphanet 637, MedGen C0027832, MONDO:0007039, OMIM 101000. Disease mechanism: loss of function.
Hereditary cancer-predisposing syndrome. Also called: Neoplastic Syndromes, Hereditary; Hereditary Cancer Syndrome; Hereditary neoplastic syndrome; Tumor predisposition. Identifiers: Orphanet 140162, MedGen C0027672, MeSH D009386, MONDO:0015356.

Allele frequency attached by ClinVar (database versions not stated): gnomAD exomes below 0.00001 and 0.00001; ExAC 0.00002; TOPMed 0.00003.
gnomAD v4.1: 2 of 1,605,626 alleles (0.00012%); highest among the groups gnomAD compares: East Asian, 0.0022%; no homozygotes.

Submissions (3):

Labcorp Genetics (formerly Invitae), Labcorp
Classification: Likely benign for Neurofibromatosis, type 2. Last evaluated: 2025-12-15. Review status: criteria provided, single submitter. Criteria: Invitae Variant Classification Sherloc (09022015). Collection method: clinical testing. Allele origin: germline.

All of Us Research Program, National Institutes of Health
Classification: Uncertain significance for Neurofibromatosis, type 2. Last evaluated: 2024-01-11. Review status: criteria provided, single submitter. Criteria: ACMG Guidelines, 2015. Collection method: clinical testing. Allele origin: germline. Inheritance: Autosomal dominant inheritance. Observed: 2 variant alleles, 2 heterozygotes.
Comment: This study involves interpretation of variants in research participants for the purpose of population health screening. Participant phenotype was not available at the time of variant classification. Additional details can be found in publication PMID: 35346344, PMCID: PMC8962531

Ambry Genetics
Classification: Benign for Hereditary cancer-predisposing syndrome. Last evaluated: 2023-09-05. Review status: criteria provided, single submitter. Criteria: Ambry Variant Classification Scheme 2023. Collection method: clinical testing. Allele origin: germline.